The following is an entry in ClinVar:

ClinVar aggregate classification (germline): Uncertain significance (1 of 4 stars; one submission).

Conditions:
Multiple gastrointestinal atresias. Also called: FAMILIAL INTESTINAL POLYATRESIA SYNDROME; Multiple intestinal atresia. Identifiers: Orphanet 2300, MedGen C0220744, MONDO:0009465.

Allele frequency attached by ClinVar (database versions not stated): gnomAD exomes below 0.00001 and 0.00001.
gnomAD v4.1: 4 of 1,613,438 alleles (0.00025%); highest among the groups gnomAD compares: East Asian, 0.0067%; no homozygotes.

Submission:

Labcorp Genetics (formerly Invitae), Labcorp
Classification: Uncertain significance for Multiple gastrointestinal atresias. Last evaluated: 2019-12-15. Review status: criteria provided, single submitter. Criteria: Invitae Variant Classification Sherloc (09022015). Collection method: clinical testing. Allele origin: germline.
Comment: In summary, the available evidence is currently insufficient to determine the role of this variant in disease. Therefore, it has been classified as a Variant of Uncertain Significance. Algorithms developed to predict the effect of missense changes on protein structure and function are either unavailable or do not agree on the potential impact of this missense change (SIFT: "Deleterious"; PolyPhen-2: "Probably Damaging"; Align-GVGD: "Class C0"). This variant has not been reported in the literature in individuals with TTC7A-related conditions. This variant is not present in population databases (ExAC no frequency). This sequence change replaces serine with asparagine at codon 845 of the TTC7A protein (p.Ser845Asn). The serine residue is highly conserved and there is a small physicochemical difference between serine and asparagine.

NM_020458.4(TTC7A):c.2534G>A (p.Ser845Asn)

Gene: TTC7A (tetratricopeptide repeat domain 7A; plus strand). Cytogenetic location: 2p21.
Variant type: single nucleotide variant.
Coding change: c.2534G>A on transcript NM_020458.4 (MANE Select); coding-DNA position 2534, G replaced by A.
Protein change: p.Ser845Asn; replaces serine 845 with asparagine.
Molecular consequence: missense variant.
Genome position (GRCh38, 1-based): chr2:47,073,880, G>A. VCF-style: chr2-47073880-G-A. GRCh37 (hg19) VCF-style: chr2-47301019-G-A.
Other names: c.2606G>A, p.Ser869Asn (NM_001288951.2); c.2432G>A, p.Ser811Asn (NM_001288953.2); c.1472G>A, p.Ser491Asn (NM_001288955.2); short protein forms S811N, S845N, S491N, S869N.
Identifiers: ClinVar variation 856749 (VCV000856749.10), dbSNP rs1334106336, ClinGen allele CA346718130.